The following is an entry in ClinVar:

NM_001611.5(ACP5):c.872G>A (p.Gly291Asp)

Gene: ACP5 (acid phosphatase 5, tartrate resistant; minus strand). Cytogenetic location: 19p13.2.
Variant type: single nucleotide variant.
Coding change: c.872G>A on transcript NM_001611.5 (MANE Select); coding-DNA position 872, G replaced by A.
Protein change: p.Gly291Asp; replaces glycine 291 with aspartic acid.
Molecular consequence: missense variant.
Genome position (GRCh38, 1-based): chr19:11,575,116, C>T on the plus strand (G>A on the coding strand, the complement: ACP5 is on the minus strand). VCF-style: chr19-11575116-C-T. GRCh37 (hg19) VCF-style: chr19-11685931-C-T.
Other names: c.872G>A, p.Gly291Asp (NM_001111034.3, NM_001111035.3, NM_001111036.3 and 1 more transcripts); short protein forms G291D.
Identifiers: ClinVar variation 1051895 (VCV001051895.7), dbSNP rs913182619, ClinGen allele CA305358491.

ClinVar aggregate classification (germline): Uncertain significance (1 of 4 stars; one submission).

Conditions:
Spondyloenchondrodysplasia with immune dysregulation (SPENCDI). Also called: COMBINED IMMUNODEFICIENCY WITH AUTOIMMUNITY AND SPONDYLOMETAPHYSEAL DYSPLASIA; ROIFMAN IMMUNOSKELETAL SYNDROME; SPONDYLOENCHONDRODYSPLASIA WITH OR WITHOUT IMMUNE DYSREGULATION. Identifiers: Orphanet 1855, MedGen C1842763, MONDO:0011939, OMIM 607944.

Allele frequency attached by ClinVar (database versions not stated): gnomAD exomes below 0.00001; TOPMed below 0.00001; gnomAD 0.00001 and 0.00002.
gnomAD v4.1: 3 of 1,614,108 alleles (0.00019%); highest among the groups gnomAD compares: African/African-American, 0.0027%; no homozygotes.

Submission:

Labcorp Genetics (formerly Invitae), Labcorp
Classification: Uncertain significance for Spondyloenchondrodysplasia with immune dysregulation. Last evaluated: 2023-08-04. Review status: criteria provided, single submitter. Criteria: Invitae Variant Classification Sherloc (09022015). Collection method: clinical testing. Allele origin: germline.
Comment: In summary, the available evidence is currently insufficient to determine the role of this variant in disease. Therefore, it has been classified as a Variant of Uncertain Significance. This sequence change replaces glycine, which is neutral and non-polar, with aspartic acid, which is acidic and polar, at codon 291 of the ACP5 protein (p.Gly291Asp). This variant is present in population databases (no rsID available, gnomAD 0.007%). This variant has not been reported in the literature in individuals affected with ACP5-related conditions. ClinVar contains an entry for this variant (Variation ID: 1051895). Advanced modeling of protein sequence and biophysical properties (such as structural, functional, and spatial information, amino acid conservation, physicochemical variation, residue mobility, and thermodynamic stability) performed at Invitae indicates that this missense variant is expected to disrupt ACP5 protein function.